The following is an entry in ClinVar:

NM_003664.5(AP3B1):c.1025T>C (p.Leu342Ser)

Gene: AP3B1 (adaptor related protein complex 3 subunit beta 1; minus strand). Cytogenetic location: 5q14.1.
Variant type: single nucleotide variant.
Coding change: c.1025T>C on transcript NM_003664.5 (MANE Select); coding-DNA position 1025, T replaced by C.
Protein change: p.Leu342Ser; replaces leucine 342 with serine.
Molecular consequence: missense variant.
Genome position (GRCh38, 1-based): chr5:78,177,354, A>G on the plus strand (T>C on the coding strand, the complement: AP3B1 is on the minus strand). VCF-style: chr5-78177354-A-G. GRCh37 (hg19) VCF-style: chr5-77473178-A-G.
Other names: c.878T>C, p.Leu293Ser (NM_001271769.2); c.1025T>C, p.Leu342Ser (NM_001410752.1); short protein forms L342S, L293S.
Identifiers: ClinVar variation 2066473 (VCV002066473.3), dbSNP rs1006282873, ClinGen allele CA121092706.

ClinVar aggregate classification (germline): Uncertain significance (1 of 4 stars; one submission).

Conditions:
Hermansky-Pudlak syndrome 2 (HPS2). Also called: Platelet defects and oculocutaneous albinism. Identifiers: Orphanet 183678, Orphanet 79430, MedGen C1842362, MONDO:0011997, OMIM 608233.

Allele frequency attached by ClinVar (database versions not stated): gnomAD exomes below 0.00001.
gnomAD v4.1: 6 of 1,613,268 alleles (0.00037%); highest among the groups gnomAD compares: Non-Finnish European, 0.00051%; no homozygotes.

Submission:

Labcorp Genetics (formerly Invitae), Labcorp
Classification: Uncertain significance for Hermansky-Pudlak syndrome 2. Last evaluated: 2021-12-19. Review status: criteria provided, single submitter. Criteria: Invitae Variant Classification Sherloc (09022015). Collection method: clinical testing. Allele origin: germline.
Comment: In summary, the available evidence is currently insufficient to determine the role of this variant in disease. Therefore, it has been classified as a Variant of Uncertain Significance. Algorithms developed to predict the effect of missense changes on protein structure and function are either unavailable or do not agree on the potential impact of this missense change (SIFT: "Deleterious"; PolyPhen-2: "Probably Damaging"; Align-GVGD: "Class C0"). This variant has not been reported in the literature in individuals affected with AP3B1-related conditions. This variant is not present in population databases (gnomAD no frequency). This sequence change replaces leucine, which is neutral and non-polar, with serine, which is neutral and polar, at codon 342 of the AP3B1 protein (p.Leu342Ser).